The following is an entry in ClinVar:

NM_198525.3(KIF7):c.2041G>A (p.Val681Ile)

Gene: KIF7 (kinesin family member 7; minus strand). Cytogenetic location: 15q26.1.
Variant type: single nucleotide variant.
Coding change: c.2041G>A on transcript NM_198525.3 (MANE Select); coding-DNA position 2041, G replaced by A.
Protein change: p.Val681Ile; replaces valine 681 with isoleucine.
Molecular consequence: missense variant.
Genome position (GRCh38, 1-based): chr15:89,645,163, C>T on the plus strand (G>A on the coding strand, the complement: KIF7 is on the minus strand). VCF-style: chr15-89645163-C-T. GRCh37 (hg19) VCF-style: chr15-90188394-C-T.
Other names: short protein forms V681I.
Identifiers: ClinVar variation 2040069 (VCV002040069.4), dbSNP rs1963989690, ClinGen allele CA393763891.
Genomic context (GRCh38, chr15:89,645,163, plus strand): 5'-ACTCTGAGGCTGTGGCAGGGGGGACCTGGCGGGCCTGAACTCGGGCCTTGCTCCCACCAA[C>T]TGCTGCAACAGGCAGCCTGTCAAGGTTGCTGCCCCAACTGACAGTGGGGGAGACAGAGGA-3'
Protein context (NP_940927.2, residues 671-691): LDAAIPGSRA[Val681Ile]GGSKARVQAR

ClinVar aggregate classification (germline): Uncertain significance (1 of 4 stars; one submission).

Conditions:
Acrocallosal syndrome (ACLS). Also called: Schinzel syndrome 1; Absence of corpus callosum with unusual facial appearance, mental deficiency, duplication of the halluces and polydactyly; HALLUX DUPLICATION, POSTAXIAL POLYDACTYLY, AND ABSENCE OF CORPUS CALLOSUM. Identifiers: Orphanet 36, MedGen C0796147, MONDO:0008708, OMIM 200990.

Submission:

Labcorp Genetics (formerly Invitae), Labcorp
Classification: Uncertain significance for Acrocallosal syndrome. Last evaluated: 2022-07-12. Review status: criteria provided, single submitter. Criteria: Invitae Variant Classification Sherloc (09022015). Collection method: clinical testing. Allele origin: germline.
Comment: Algorithms developed to predict the effect of sequence changes on RNA splicing suggest that this variant may disrupt the consensus splice site. In summary, the available evidence is currently insufficient to determine the role of this variant in disease. Therefore, it has been classified as a Variant of Uncertain Significance. Algorithms developed to predict the effect of missense changes on protein structure and function (SIFT, PolyPhen-2, Align-GVGD) all suggest that this variant is likely to be tolerated. This sequence change replaces valine, which is neutral and non-polar, with isoleucine, which is neutral and non-polar, at codon 681 of the KIF7 protein (p.Val681Ile). This variant is not present in population databases (gnomAD no frequency). This variant has not been reported in the literature in individuals affected with KIF7-related conditions.